The following is an entry in ClinVar:

ClinVar aggregate classification (germline): Uncertain significance (1 of 4 stars; one submission).

Conditions:
MHC class II deficiency. Also called: Bare lymphocyte syndrome 2; BLS, TYPE II. Identifiers: Orphanet 572, MedGen C5447452, MONDO:0008855.

gnomAD v4.1: 8 of 1,613,450 alleles (0.0005%); highest among the groups gnomAD compares: East Asian, 0.0022%; no homozygotes.

Submission:

Labcorp Genetics (formerly Invitae), Labcorp
Classification: Uncertain significance for MHC class II deficiency. Last evaluated: 2024-02-24. Review status: criteria provided, single submitter. Criteria: Invitae Variant Classification Sherloc (09022015). Collection method: clinical testing. Allele origin: germline.
Comment: This sequence change replaces aspartic acid, which is acidic and polar, with alanine, which is neutral and non-polar, at codon 783 of the CIITA protein (p.Asp783Ala). This variant is not present in population databases (gnomAD no frequency). This variant has not been reported in the literature in individuals affected with CIITA-related conditions. ClinVar contains an entry for this variant (Variation ID: 647644). Algorithms developed to predict the effect of missense changes on protein structure and function output the following: SIFT: "Not Available"; PolyPhen-2: "Benign"; Align-GVGD: "Not Available". The alanine amino acid residue is found in multiple mammalian species, which suggests that this missense change does not adversely affect protein function. In summary, the available evidence is currently insufficient to determine the role of this variant in disease. Therefore, it has been classified as a Variant of Uncertain Significance.

NM_000246.4(CIITA):c.2348A>C (p.Asp783Ala)

Gene: CIITA (class II major histocompatibility complex transactivator; plus strand). Cytogenetic location: 16p13.13.
Variant type: single nucleotide variant.
Coding change: c.2348A>C on transcript NM_000246.4 (MANE Select); coding-DNA position 2348, A replaced by C.
Protein change: p.Asp783Ala; replaces aspartic acid 783 with alanine.
Molecular consequence: missense variant. On other transcripts: intron variant (1).
Genome position (GRCh38, 1-based): chr16:10,907,840, A>C. VCF-style: chr16-10907840-A-C. GRCh37 (hg19) VCF-style: chr16-11001697-A-C.
Other names: c.2351A>C, p.Asp784Ala (NM_001286402.1, NM_001379332.1); c.2204A>C, p.Asp735Ala (NM_001379330.1); c.2201A>C, p.Asp734Ala (NM_001379331.1); c.2348A>C, p.Asp783Ala (NM_001379333.1); c.2279A>C, p.Asp760Ala (NM_001379334.1); c.860-1143A>C (NM_001286403.2); short protein forms D783A, D784A, D734A, D735A, D760A.
Identifiers: ClinVar variation 647644 (VCV000647644.8), dbSNP rs771514619, ClinGen allele CA394733063.
Genomic context (GRCh38, chr16:10,907,840, plus strand): 5'-TCCAGCCTCCCGCCCGCTGCCTGGGAGCCCTACTCGGGCCATCGGCGGCTGCCTCGGTGG[A>C]CAGGAAGCAGAAGGTGCTTGCGAGGTACCTGAAGCGGCTGCAGCCGGGGACACTGCGGGC-3'
Protein context (NP_000237.2, residues 773-793): LLGPSAAASV[Asp783Ala]RKQKVLARYL